The following is an entry in ClinVar:

ClinVar aggregate classification (germline): Uncertain significance (1 of 4 stars; one submission).

Allele frequency attached by ClinVar (database versions not stated): gnomAD exomes below 0.00001; TOPMed 0.00001; gnomAD 0.00002; ESP Exome Variant Server 0.00008; ExAC 0.00001.
gnomAD v4.1: 3 of 1,613,980 alleles (0.00019%); highest among the groups gnomAD compares: African/African-American, 0.004%; no homozygotes.

Submission:

Labcorp Genetics (formerly Invitae), Labcorp
Classification: Uncertain significance. Last evaluated: 2025-06-12. Review status: criteria provided, single submitter. Criteria: Invitae Variant Classification Sherloc (09022015). Collection method: clinical testing. Allele origin: germline.
Comment: This sequence change replaces leucine, which is neutral and non-polar, with proline, which is neutral and non-polar, at codon 185 of the LZTFL1 protein (p.Leu185Pro). This variant is present in population databases (rs376298139, gnomAD 0.008%). This variant has not been reported in the literature in individuals affected with LZTFL1-related conditions. ClinVar contains an entry for this variant (Variation ID: 1497874). Invitae Evidence Modeling of protein sequence and biophysical properties (such as structural, functional, and spatial information, amino acid conservation, physicochemical variation, residue mobility, and thermodynamic stability) indicates that this missense variant is not expected to disrupt LZTFL1 protein function with a negative predictive value of 80%. In summary, the available evidence is currently insufficient to determine the role of this variant in disease. Therefore, it has been classified as a Variant of Uncertain Significance.

NM_020347.4(LZTFL1):c.554T>C (p.Leu185Pro)

Gene: LZTFL1 (leucine zipper transcription factor like 1; minus strand). Cytogenetic location: 3p21.31.
Variant type: single nucleotide variant.
Coding change: c.554T>C on transcript NM_020347.4 (MANE Select); coding-DNA position 554, T replaced by C.
Protein change: p.Leu185Pro; replaces leucine 185 with proline.
Molecular consequence: missense variant. On other transcripts: non-coding transcript variant (1).
Genome position (GRCh38, 1-based): chr3:45,830,959, A>G on the plus strand (T>C on the coding strand, the complement: LZTFL1 is on the minus strand). VCF-style: chr3-45830959-A-G. GRCh37 (hg19) VCF-style: chr3-45872451-A-G.
Other names: c.503T>C, p.Leu168Pro (NM_001276378.2, NM_001386451.1); c.542T>C, p.Leu181Pro (NM_001276379.2); c.554T>C, p.Leu185Pro (NM_001386452.1); short protein forms L181P, L168P, L185P.
Identifiers: ClinVar variation 1497874 (VCV001497874.6), dbSNP rs376298139, ClinGen allele CA2351903.
Genomic context (GRCh38, chr3:45,830,959, plus strand): 5'-AAAACTTGTTTCACCTTTTGATTTCCTTGATCAAGCTGTAAATCTTGCAGTGCTTTTTCT[A>G]GTTTTGACTTTTCATCCAGTGCATTTGTAGCCTATAGTGAAGTTTAAACAAAACACTTTC-3'
Protein context (NP_065080.1, residues 175-195): ATNALDEKSK[Leu185Pro]EKALQDLQLD